The following is an entry in ClinVar:

NM_000426.4(LAMA2):c.850G>A (p.Gly284Arg)

Gene: LAMA2 (laminin subunit alpha 2; plus strand). Cytogenetic location: 6q22.33.
Variant type: single nucleotide variant.
Coding change: c.850G>A on transcript NM_000426.4 (MANE Select); coding-DNA position 850, G replaced by A.
Protein change: p.Gly284Arg; replaces glycine 284 with arginine.
Molecular consequence: missense variant.
Genome position (GRCh38, 1-based): chr6:129,146,989, G>A. VCF-style: chr6-129146989-G-A. GRCh37 (hg19) VCF-style: chr6-129468134-G-A.
Other names: c.850G>A, p.Gly284Arg (NM_001079823.2); short protein forms G284R.
Identifiers: ClinVar variation 3593003 (VCV003593003.2).

ClinVar aggregate classification (germline): Likely pathogenic. Review status: criteria provided, multiple submitters, no conflicts (2 of 4 stars). 2 submissions from 2 submitters: Likely pathogenic (2). Last evaluated 2026-03-04.

Conditions:
Merosin deficient congenital muscular dystrophy (MDC1A). Also called: Congenital merosin-deficient muscular dystrophy 1A; Congenital Muscular Dystrophy Type 1A (MDC1A). Identifiers: Orphanet 258, MedGen C1263858, MONDO:0011925, OMIM 607855.
Muscular dystrophy, limb-girdle, autosomal recessive 23. Identifiers: Orphanet 565837, MedGen C4748327, MONDO:0029136, OMIM 618138.
LAMA2-related muscular dystrophy (LAMA2-RD). Also called: Laminin alpha 2-related dystrophy. Identifiers: MedGen C5679788, MONDO:0100228.

gnomAD v4.1: 3 of 1,611,624 alleles (0.00019%); highest among the groups gnomAD compares: Non-Finnish European, 0.00025%; no homozygotes.

Submissions (2):

Myriad Genetics, Inc.
Classification: Likely pathogenic for LAMA2-related muscular dystrophy. Last evaluated: 2026-03-04. Review status: criteria provided, single submitter. Criteria: Myriad Autosomal Dominant, Autosomal Recessive and X-Linked Classification Criteria (2023). Collection method: clinical testing. Allele origin: unknown.
Comment: NM_000426.3(LAMA2):c.850G>A(G284R) is a missense variant classified as likely pathogenic in the context of muscular dystrophy, LAMA2-related. G284R has been observed in cases with relevant disease (PMID: 36833411, 21953594, 40870035). Relevant functional assessments of this variant are not available in the literature. G284R has not been observed in referenced population frequency databases. In summary, NM_000426.3(LAMA2):c.850G>A(G284R) is a missense variant that has been observed more frequently in cases with the relevant disease than in healthy populations. Please note: this variant was assessed in the context of healthy population screening.

Fulgent Genetics
Classification: Likely pathogenic for Merosin deficient congenital muscular dystrophy; Muscular dystrophy, limb-girdle, autosomal recessive 23. Last evaluated: 2024-06-14. Review status: criteria provided, single submitter. Criteria: ACMG Guidelines, 2015. Collection method: clinical testing. Allele origin: germline.

Literature cited by the submitters: PubMed 21953594 (cited by Myriad Genetics, Inc.); PubMed 36833411 (cited by Myriad Genetics, Inc.); PubMed 40870035 (cited by Myriad Genetics, Inc.).